The following is an entry in ClinVar:

NM_001367624.2(ZNF469):c.36C>A (p.Pro12=)

Gene: ZNF469 (zinc finger protein 469; plus strand). Cytogenetic location: 16q24.2.
Variant type: single nucleotide variant.
Coding change: c.36C>A on transcript NM_001367624.2 (MANE Select); coding-DNA position 36, C replaced by A.
Protein change: p.Pro12=; no amino-acid change (proline 12 retained).
Molecular consequence: synonymous variant.
Genome position (GRCh38, 1-based): chr16:88,427,506, C>A. VCF-style: chr16-88427506-C-A. GRCh37 (hg19) VCF-style: chr16-88493914-C-A.
Other names: NM_001127464.1:c.36C>A.
Identifiers: ClinVar variation 1734061 (VCV001734061.29), dbSNP rs371091595, ClinGen allele CA8224564.

ClinVar aggregate classification (germline): Likely benign. Review status: criteria provided, multiple submitters, no conflicts (2 of 4 stars). 3 submissions from 3 submitters: Likely benign (3). Last evaluated 2025-07-30.

Conditions:
Cardiovascular phenotype. Identifiers: MedGen CN230736.

Allele frequency attached by ClinVar (database versions not stated): 1000 Genomes Project 30x 0.00016; 1000 Genomes Project 0.00020.
gnomAD v4.1: 15 of 1,531,478 alleles (0.00098%); highest among the groups gnomAD compares: East Asian, 0.027%; no homozygotes.

Submissions (3):

Labcorp Genetics (formerly Invitae), Labcorp
Classification: Likely benign. Last evaluated: 2025-07-30. Review status: criteria provided, single submitter. Criteria: Invitae Variant Classification Sherloc (09022015). Collection method: clinical testing. Allele origin: germline.

CeGaT Center for Human Genetics Tuebingen
Classification: Likely benign. Last evaluated: 2023-03-01. Review status: criteria provided, single submitter. Criteria: CeGaT Center For Human Genetics Tuebingen Variant Classification Criteria Version 2. Collection method: clinical testing. Allele origin: germline. Affected: yes. Observed: 1 variant allele.
Comment: ZNF469: BP4, BP7

Ambry Genetics
Classification: Likely benign for Cardiovascular phenotype. Last evaluated: 2019-12-18. Review status: criteria provided, single submitter. Criteria: Ambry Variant Classification Scheme 2023. Collection method: clinical testing. Allele origin: germline.